The following is an entry in ClinVar:

NM_020964.3(EPG5):c.708G>A (p.Leu236=)

Gene: EPG5 (ectopic P-granules 5 autophagy tethering factor; minus strand). Cytogenetic location: 18q21.1.
Variant type: single nucleotide variant.
Coding change: c.708G>A on transcript NM_020964.3 (MANE Select); coding-DNA position 708, G replaced by A.
Protein change: p.Leu236=; no amino-acid change (leucine 236 retained).
Molecular consequence: synonymous variant.
Genome position (GRCh38, 1-based): chr18:45,954,694, C>T on the plus strand (G>A on the coding strand, the complement: EPG5 is on the minus strand). VCF-style: chr18-45954694-C-T. GRCh37 (hg19) VCF-style: chr18-43534660-C-T.
Identifiers: ClinVar variation 725431 (VCV000725431.37), dbSNP rs182077104, ClinGen allele CA8949903.

ClinVar aggregate classification (germline): Likely benign. Review status: criteria provided, multiple submitters, no conflicts (2 of 4 stars). 4 submissions from 4 submitters: Likely benign (4). Last evaluated 2026-01-07.

Conditions:
Vici syndrome (VICIS). Identifiers: Orphanet 1493, MedGen C1855772, MONDO:0009452, OMIM 242840.

Allele frequency attached by ClinVar (database versions not stated): gnomAD 0.00012 and 0.00014; gnomAD exomes 0.00014; TOPMed 0.00014; ESP Exome Variant Server 0.00016; ExAC 0.00018; 1000 Genomes Project 30x 0.00031; 1000 Genomes Project 0.00040.
gnomAD v4.1: 225 of 1,614,208 alleles (0.014%); highest among the groups gnomAD compares: Middle Eastern, 0.066%; no homozygotes.

Submissions (4):

Labcorp Genetics (formerly Invitae), Labcorp
Classification: Likely benign for Vici syndrome. Last evaluated: 2026-01-07. Review status: criteria provided, single submitter. Criteria: Invitae Variant Classification Sherloc (09022015). Collection method: clinical testing. Allele origin: germline.

CeGaT Center for Human Genetics Tuebingen
Classification: Likely benign. Last evaluated: 2025-11-01. Review status: criteria provided, single submitter. Criteria: CeGaT Center For Human Genetics Tuebingen Variant Classification Criteria Version 2. Collection method: clinical testing. Allele origin: germline. Affected: yes. Observed: 2 variant alleles.
Comment: EPG5: BP4, BP7

Blueprint Genetics
Classification: Likely benign. Last evaluated: 2024-09-23. Review status: criteria provided, single submitter. Criteria: ACMG Guidelines, 2015. Collection method: clinical testing. Allele origin: germline.

Breakthrough Genomics
Classification: Likely benign. Review status: criteria provided, single submitter. Criteria: ACMG Guidelines, 2015. Collection method: not provided. Allele origin: germline. Inheritance: Autosomal recessive inheritance. Affected: yes.